The following is an entry in ClinVar:

NM_020376.4(PNPLA2):c.131A>G (p.Tyr44Cys)

Genes: PNPLA2 (patatin like domain 2, triacylglycerol lipase; plus strand), LOC130005097 (ATAC-STARR-seq lymphoblastoid silent region 3036; plus strand). Cytogenetic location: 11p15.5.
Variant type: single nucleotide variant.
Coding change: c.131A>G on transcript NM_020376.4 (MANE Select); coding-DNA position 131, A replaced by G.
Protein change: p.Tyr44Cys; replaces tyrosine 44 with cysteine.
Molecular consequence: missense variant.
Genome position (GRCh38, 1-based): chr11:819,849, A>G. VCF-style: chr11-819849-A-G. GRCh37 (hg19) VCF-style: chr11-819849-A-G.
Other names: c.131A>G (NM_020376.3); short protein forms Y44C.
Identifiers: ClinVar variation 2174880 (VCV002174880.4), dbSNP rs945283135, ClinGen allele CA378976996.
Genomic context (GRCh38, chr11:819,849, plus strand): 5'-GCGTGGCCTCCTGCCTCCGCGAGCACGCGCCCTTCCTGGTGGCCAACGCCACGCACATCT[A>G]CGGCGCCTCGGCCGGGGCGCTCACGGCCACGGCGCTGGTCACCGGGGTCTGCCTGGGTGA-3'
Protein context (NP_065109.1, residues 34-54): PFLVANATHI[Tyr44Cys]GASAGALTAT

ClinVar aggregate classification (germline): Uncertain significance. Review status: criteria provided, multiple submitters, no conflicts (2 of 4 stars). 2 submissions from 2 submitters: Uncertain significance (2). Last evaluated 2025-08-14.

Conditions:
Neutral lipid storage myopathy (NLSDM). Also called: NEUTRAL LIPID STORAGE DISEASE WITHOUT ICHTHYOSIS. Identifiers: Orphanet 98908, MedGen C1853136, MONDO:0012545, OMIM 610717.
Inborn genetic diseases. Identifiers: MedGen C0950123, MeSH D030342.

gnomAD v4.1: 6 of 1,470,438 alleles (0.00041%); highest among the groups gnomAD compares: Admixed American, 0.014%; no homozygotes.

Submissions (2):

Ambry Genetics
Classification: Uncertain significance for Inborn genetic diseases. Last evaluated: 2025-08-14. Review status: criteria provided, single submitter. Criteria: Ambry Variant Classification Scheme 2023. Collection method: clinical testing. Allele origin: germline.

Labcorp Genetics (formerly Invitae), Labcorp
Classification: Uncertain significance for Neutral lipid storage myopathy. Last evaluated: 2022-07-26. Review status: criteria provided, single submitter. Criteria: Invitae Variant Classification Sherloc (09022015). Collection method: clinical testing. Allele origin: germline.
Comment: This sequence change replaces tyrosine, which is neutral and polar, with cysteine, which is neutral and slightly polar, at codon 44 of the PNPLA2 protein (p.Tyr44Cys). This variant is present in population databases (no rsID available, gnomAD 0.04%). This variant has not been reported in the literature in individuals affected with PNPLA2-related conditions. Algorithms developed to predict the effect of missense changes on protein structure and function are either unavailable or do not agree on the potential impact of this missense change (SIFT: "Tolerated"; PolyPhen-2: "Possibly Damaging"; Align-GVGD: "Class C0"). In summary, the available evidence is currently insufficient to determine the role of this variant in disease. Therefore, it has been classified as a Variant of Uncertain Significance.